The following is an entry in ClinVar:

NM_006231.4(POLE):c.4899C>G (p.Ile1633Met)

Gene: POLE (DNA polymerase epsilon, catalytic subunit; minus strand). Cytogenetic location: 12q24.33.
Variant type: single nucleotide variant.
Coding change: c.4899C>G on transcript NM_006231.4 (MANE Select); coding-DNA position 4899, C replaced by G.
Protein change: p.Ile1633Met; replaces isoleucine 1633 with methionine.
Molecular consequence: missense variant.
Genome position (GRCh38, 1-based): chr12:132,642,559, G>C on the plus strand (C>G on the coding strand, the complement: POLE is on the minus strand). VCF-style: chr12-132642559-G-C. GRCh37 (hg19) VCF-style: chr12-133219145-G-C.
Other names: short protein forms I1633M.
Identifiers: ClinVar variation 3308356 (VCV003308356.1).
Genomic context (GRCh38, chr12:132,642,559, plus strand): 5'-TGCTCACCTGCTCATCTCGAAGGCCTGCGACAGGCAGGTGTCCAGGTTGAGGTAGTGACG[G>C]ATCATGCGCCGGGCTCCATGGCGCTGCCAGTCCAGGACCCCATAGTTGATCTTGTCAGCC-3'
Protein context (NP_006222.2, residues 1623-1643): DWQRHGARRM[Ile1633Met]RHYLNLDTCL

ClinVar aggregate classification (germline): Uncertain significance (1 of 4 stars; one submission).

Conditions:
Hereditary cancer-predisposing syndrome. Also called: Tumor predisposition; Hereditary Cancer Syndrome; Hereditary neoplastic syndrome; Neoplastic Syndromes, Hereditary. Identifiers: Orphanet 140162, MedGen C0027672, MeSH D009386, MONDO:0015356.

Submission:

Ambry Genetics
Classification: Uncertain significance for Hereditary cancer-predisposing syndrome. Last evaluated: 2024-03-16. Review status: criteria provided, single submitter. Criteria: Ambry Variant Classification Scheme 2023. Collection method: clinical testing. Allele origin: germline.
Comment: The p.I1633M variant (also known as c.4899C>G), located in coding exon 37 of the POLE gene, results from a C to G substitution at nucleotide position 4899. The isoleucine at codon 1633 is replaced by methionine, an amino acid with highly similar properties. This amino acid position is conserved. In addition, this alteration is predicted to be tolerated by in silico analysis. Based on the available evidence, the clinical significance of this alteration remains unclear.